The following is an entry in ClinVar:

ClinVar aggregate classification (germline): Conflicting classifications of pathogenicity. Review status: criteria provided, conflicting classifications (1 of 4 stars). 2 submissions from 2 submitters: Uncertain significance (1); Likely benign (1). Last evaluated 2026-01-28.

Conditions:
Dyskeratosis congenita, autosomal recessive 5 (DKCB5). Identifiers: MedGen C3554656, MONDO:0014076, OMIM 615190.
Pulmonary fibrosis and/or bone marrow failure, Telomere-related, 3. Also called: PULMONARY FIBROSIS AND/OR BONE MARROW FAILURE SYNDROME, TELOMERE-RELATED, 3. Identifiers: Orphanet 2032, MedGen C4225346, MONDO:0014613, OMIM 616373.

gnomAD v4.1: 7 of 1,606,904 alleles (0.00044%); highest among the groups gnomAD compares: East Asian, 0.016%; no homozygotes.

Submissions (2):

Labcorp Genetics (formerly Invitae), Labcorp
Classification: Uncertain significance for Dyskeratosis congenita, autosomal recessive 5; Pulmonary fibrosis and/or bone marrow failure, Telomere-related, 3. Last evaluated: 2026-01-28. Review status: criteria provided, single submitter. Criteria: Invitae Variant Classification Sherloc (09022015). Collection method: clinical testing. Allele origin: germline.
Comment: This sequence change replaces valine, which is neutral and non-polar, with leucine, which is neutral and non-polar, at codon 1008 of the RTEL1 protein (p.Val1008Leu). This variant is present in population databases (no rsID available, gnomAD 0.006%). This variant has not been reported in the literature in individuals affected with RTEL1-related conditions. ClinVar contains an entry for this variant (Variation ID: 2193476). An algorithm developed to predict the effect of missense changes on protein structure and function outputs the following: PolyPhen-2: "Benign". The leucine amino acid residue is found in multiple mammalian species, which suggests that this missense change does not adversely affect protein function. In summary, the available evidence is currently insufficient to determine the role of this variant in disease. Therefore, it has been classified as a Variant of Uncertain Significance.

Blueprint Genetics
Classification: Likely benign. Last evaluated: 2020-07-22. Review status: criteria provided, single submitter. Criteria: ACMG Guidelines, 2015. Collection method: clinical testing. Allele origin: germline.

NM_001283009.2(RTEL1):c.3022G>C (p.Val1008Leu)

Genes: RTEL1-TNFRSF6B (RTEL1-TNFRSF6B readthrough (NMD candidate); plus strand), RTEL1 (regulator of telomere elongation helicase 1; plus strand). Cytogenetic location: 20q13.33.
Variant type: single nucleotide variant.
Coding change: c.3022G>C on transcript NM_001283009.2 (MANE Select); coding-DNA position 3022, G replaced by C.
Protein change: p.Val1008Leu; replaces valine 1008 with leucine.
Molecular consequence: missense variant. On other transcripts: non-coding transcript variant (1).
Genome position (GRCh38, 1-based): chr20:63,694,401, G>C. VCF-style: chr20-63694401-G-C. GRCh37 (hg19) VCF-style: chr20-62325754-G-C.
Other names: c.2353G>C, p.Val785Leu (NM_001283010.1); c.3022G>C, p.Val1008Leu (NM_016434.4); c.3094G>C, p.Val1032Leu (NM_032957.5); short protein forms V1032L, V785L, V1008L.
Identifiers: ClinVar variation 2193476 (VCV002193476.3), dbSNP rs145335410, ClinGen allele CA409684424.